The following is an entry in ClinVar:

ClinVar aggregate classification (germline): Conflicting classifications of pathogenicity. Review status: criteria provided, conflicting classifications (1 of 4 stars). 5 submissions from 4 submitters: Uncertain significance (2); Benign (1); Likely benign (2). Last evaluated 2025-04-17.

Conditions:
Wolfram syndrome 1 (WFS1). Identifiers: Orphanet 3463, MedGen C4551693, MONDO:0009101, OMIM 222300.
WFS1-Related Spectrum Disorders.
Autosomal dominant nonsyndromic hearing loss 6 (LFSNHL). Also called: DEAFNESS, AUTOSOMAL DOMINANT 6; DEAFNESS, AUTOSOMAL DOMINANT 14; DEAFNESS, AUTOSOMAL DOMINANT 38; Autosomal dominant nonsyndromic deafness 6. Identifiers: Orphanet 90635, MedGen C1833021, MONDO:0010963, OMIM 600965.

Allele frequency attached by ClinVar (database versions not stated): gnomAD 0.00002; TOPMed 0.00003.
gnomAD v4.1: 53 of 1,612,716 alleles (0.0033%); highest among the groups gnomAD compares: Non-Finnish European, 0.0043%; no homozygotes.

Submissions (5):

Labcorp Genetics (formerly Invitae), Labcorp
Classification: Likely benign. Last evaluated: 2025-04-17. Review status: criteria provided, single submitter. Criteria: Invitae Variant Classification Sherloc (09022015). Collection method: clinical testing. Allele origin: germline.

Blueprint Genetics
Classification: Likely benign. Last evaluated: 2023-10-11. Review status: criteria provided, single submitter. Criteria: ACMG Guidelines, 2015. Collection method: clinical testing. Allele origin: germline.

Illumina Laboratory Services, Illumina
Classification: Uncertain significance for Autosomal dominant nonsyndromic hearing loss 6. Last evaluated: 2018-01-12. Review status: criteria provided, single submitter. Criteria: ICSL Variant Classification Criteria 13 December 2019. Collection method: clinical testing. Allele origin: germline.

Illumina Laboratory Services, Illumina
Classification: Uncertain significance for WFS1-Related Spectrum Disorders. Last evaluated: 2018-01-12. Review status: criteria provided, single submitter. Criteria: ICSL Variant Classification Criteria 13 December 2019. Collection method: clinical testing. Allele origin: germline.

Clinical Genomics, Uppaluri K&H Personalized Medicine Clinic
Classification: Benign for Wolfram syndrome 1. Review status: criteria provided, single submitter. Criteria: K & H Uppaluri Personalized Medicine Clinic Variant Classification & Assertion Criteria_Updated V.1. Collection method: research. Allele origin: unknown. Inheritance: Autosomal recessive inheritance.
Comment: Potent mutations in WFS1 gene are associated with Wolfram's syndrome, an autosomal recessive condition, which cause diabetes mellitus, diabetes insipidus, deafness and optic atrophy. However no sufficient evidence is found to ascertain the role of this particular variant rs766900991 in Wolfram's syndrome yet.

Literature cited by the submitters: PubMed 20738327 (cited by Clinical Genomics, Uppaluri K&H Personalized Medicine Clinic); PubMed 33879153 (cited by Clinical Genomics, Uppaluri K&H Personalized Medicine Clinic); PubMed 12955714 (cited by Clinical Genomics, Uppaluri K&H Personalized Medicine Clinic); PubMed 18060660 (cited by Clinical Genomics, Uppaluri K&H Personalized Medicine Clinic); PubMed 20301750 (cited by Clinical Genomics, Uppaluri K&H Personalized Medicine Clinic); PubMed 17603484 (cited by Clinical Genomics, Uppaluri K&H Personalized Medicine Clinic).

NM_006005.3(WFS1):c.2157C>T (p.Ala719=)

Gene: WFS1 (wolframin ER transmembrane glycoprotein; plus strand). Cytogenetic location: 4p16.1.
Variant type: single nucleotide variant.
Coding change: c.2157C>T on transcript NM_006005.3 (MANE Select); coding-DNA position 2157, C replaced by T.
Protein change: p.Ala719=; no amino-acid change (alanine 719 retained).
Molecular consequence: synonymous variant.
Genome position (GRCh38, 1-based): chr4:6,301,952, C>T. VCF-style: chr4-6301952-C-T. GRCh37 (hg19) VCF-style: chr4-6303679-C-T.
Other names: c.2157C>T, p.Ala719= (NM_001145853.1).
Identifiers: ClinVar variation 349323 (VCV000349323.14), dbSNP rs766900991, ClinGen allele CA10621440.